The following is an entry in ClinVar:

NM_152743.4(BRAT1):c.2170C>G (p.Leu724Val)

Gene: BRAT1 (BRCA1 associated ATM activator 1; minus strand). Cytogenetic location: 7p22.3.
Variant type: single nucleotide variant.
Coding change: c.2170C>G on transcript NM_152743.4 (MANE Select); coding-DNA position 2170, C replaced by G.
Protein change: p.Leu724Val; replaces leucine 724 with valine.
Molecular consequence: missense variant. On other transcripts: non-coding transcript variant (1).
Genome position (GRCh38, 1-based): chr7:2,538,365, G>C on the plus strand (C>G on the coding strand, the complement: BRAT1 is on the minus strand). VCF-style: chr7-2538365-G-C. GRCh37 (hg19) VCF-style: chr7-2577999-G-C.
Other names: c.2350C>G, p.Leu784Val (NM_001350626.2); c.1645C>G, p.Leu549Val (NM_001350627.2); short protein forms L724V, L549V, L784V.
Identifiers: ClinVar variation 472962 (VCV000472962.8), dbSNP rs751042897, ClinGen allele CA4127441.

ClinVar aggregate classification (germline): Uncertain significance (1 of 4 stars; one submission).

Conditions:
Neonatal-onset encephalopathy with rigidity and seizures. Also called: Lethal neonatal spasticity-epileptic encephalopathy syndrome. Identifiers: Orphanet 435845, MedGen C3281029, MONDO:0013784, OMIM 614498.

Allele frequency attached by ClinVar (database versions not stated): gnomAD 0.00001; TOPMed 0.00001; ExAC 0.00002; gnomAD exomes 0.00002.
gnomAD v4.1: 33 of 1,613,332 alleles (0.002%); highest among the groups gnomAD compares: Non-Finnish European, 0.0025%; no homozygotes.

Submission:

Labcorp Genetics (formerly Invitae), Labcorp
Classification: Uncertain significance for Neonatal-onset encephalopathy with rigidity and seizures. Last evaluated: 2021-08-31. Review status: criteria provided, single submitter. Criteria: Invitae Variant Classification Sherloc (09022015). Collection method: clinical testing. Allele origin: germline.
Comment: This sequence change replaces leucine with valine at codon 724 of the BRAT1 protein (p.Leu724Val). The leucine residue is highly conserved and there is a small physicochemical difference between leucine and valine. This variant is present in population databases (rs751042897, ExAC 0.003%). This variant has not been reported in the literature in individuals affected with BRAT1-related conditions. ClinVar contains an entry for this variant (Variation ID: 472962). Algorithms developed to predict the effect of missense changes on protein structure and function are either unavailable or do not agree on the potential impact of this missense change (SIFT: "Tolerated"; PolyPhen-2: "Possibly Damaging"; Align-GVGD: "Class C0"). In summary, the available evidence is currently insufficient to determine the role of this variant in disease. Therefore, it has been classified as a Variant of Uncertain Significance.